The following is an entry in ClinVar:

ClinVar aggregate classification (germline): Uncertain significance (1 of 4 stars; one submission).

Allele frequency attached by ClinVar (database versions not stated): gnomAD 0.00001; TOPMed 0.00001; ESP Exome Variant Server 0.00008.
gnomAD v4.1: 49 of 1,613,692 alleles (0.003%); highest among the groups gnomAD compares: Middle Eastern, 0.016%; no homozygotes.

Submission:

Labcorp Genetics (formerly Invitae), Labcorp
Classification: Uncertain significance. Last evaluated: 2022-07-13. Review status: criteria provided, single submitter. Criteria: Invitae Variant Classification Sherloc (09022015). Collection method: clinical testing. Allele origin: germline.
Comment: This sequence change replaces threonine, which is neutral and polar, with methionine, which is neutral and non-polar, at codon 106 of the VPS33A protein (p.Thr106Met). This variant is present in population databases (rs142468494, gnomAD 0.01%). This variant has not been reported in the literature in individuals affected with VPS33A-related conditions. Algorithms developed to predict the effect of missense changes on protein structure and function (SIFT, PolyPhen-2, Align-GVGD) all suggest that this variant is likely to be tolerated. In summary, the available evidence is currently insufficient to determine the role of this variant in disease. Therefore, it has been classified as a Variant of Uncertain Significance.

NM_022916.6(VPS33A):c.317C>T (p.Thr106Met)

Gene: VPS33A (VPS33A core subunit of CORVET and HOPS complexes; minus strand). Cytogenetic location: 12q24.31.
Variant type: single nucleotide variant.
Coding change: c.317C>T on transcript NM_022916.6 (MANE Select); coding-DNA position 317, C replaced by T.
Protein change: p.Thr106Met; replaces threonine 106 with methionine.
Molecular consequence: missense variant.
Genome position (GRCh38, 1-based): chr12:122,261,427, G>A on the plus strand (C>T on the coding strand, the complement: VPS33A is on the minus strand). VCF-style: chr12-122261427-G-A. GRCh37 (hg19) VCF-style: chr12-122745974-G-A.
Other names: c.284C>T, p.Thr95Met (NM_001351018.2); c.269C>T, p.Thr90Met (NM_001351019.2); c.317C>T, p.Thr106Met (NM_001351020.2, NM_001351021.2); short protein forms T90M, T106M, T95M.
Identifiers: ClinVar variation 2169439 (VCV002169439.1), dbSNP rs142468494, ClinGen allele CA6844626.